The following is an entry in ClinVar:

NM_152703.5(SAMD9L):c.3956A>T (p.Glu1319Val)

Gene: SAMD9L (sterile alpha motif domain containing 9 like; minus strand). Cytogenetic location: 7q21.2.
Variant type: single nucleotide variant.
Coding change: c.3956A>T on transcript NM_152703.5 (MANE Select); coding-DNA position 3956, A replaced by T.
Protein change: p.Glu1319Val; replaces glutamic acid 1319 with valine.
Molecular consequence: missense variant.
Genome position (GRCh38, 1-based): chr7:93,132,016, T>A on the plus strand (A>T on the coding strand, the complement: SAMD9L is on the minus strand). VCF-style: chr7-93132016-T-A. GRCh37 (hg19) VCF-style: chr7-92761329-T-A.
Other names: c.3956A>T, p.Glu1319Val (NM_001303498.3, NM_001303500.3, NM_001350082.2 and 5 more transcripts); c.3956A>T (NM_152703.2); short protein forms E1319V.
Identifiers: ClinVar variation 1442256 (VCV001442256.11), dbSNP rs963309607, ClinGen allele CA161958814.

ClinVar aggregate classification (germline): Uncertain significance. Review status: criteria provided, multiple submitters, no conflicts (2 of 4 stars). 3 submissions from 3 submitters: Uncertain significance (3). Last evaluated 2026-02-20.

Conditions:
Ataxia-pancytopenia syndrome (ATXPC). Also called: SAMD9L-Related Syndrome; SAMD9L Ataxia-Pancytopenia Syndrome. Identifiers: Orphanet 2585, MedGen C1327919, MONDO:0008038, OMIM 159550.
Inborn genetic diseases. Identifiers: MedGen C0950123, MeSH D030342.

Allele frequency attached by ClinVar (database versions not stated): gnomAD exomes below 0.00001; TOPMed 0.00005; gnomAD 0.00007.
gnomAD v4.1: 17 of 1,613,262 alleles (0.0011%); highest among the groups gnomAD compares: African/African-American, 0.015%; no homozygotes.

Submissions (3):

St. Jude Molecular Pathology, St. Jude Children's Research Hospital
Classification: Uncertain significance for Ataxia-pancytopenia syndrome. Last evaluated: 2026-02-20. Review status: criteria provided, single submitter. Criteria: St. Jude Assertion Criteria 2020. Collection method: clinical testing. Allele origin: germline.
Comment: The SAMD9L c.3956A>T p.(Glu1319Val) missense change has a maximum subpopulation frequency of 0.016% in gnomAD v2.1.1. The in silico tool REVEL predicts a benign effect on protein function, but to our knowledge this prediction has not been confirmed by functional studies. In silico predictions have not been found to correlate with syndromic risk and are not considered supporting evidence of a pathogenic or benign effect (PMID: 34621053). This variant has not been reported in individuals with ataxia-pancytopenia syndrome or monosomy 7 myelodysplasia and leukemia syndrome. In summary, the evidence currently available is insufficient to determine the clinical significance of this variant. It has therefore been classified as of uncertain significance.

Labcorp Genetics (formerly Invitae), Labcorp
Classification: Uncertain significance. Last evaluated: 2025-10-13. Review status: criteria provided, single submitter. Criteria: Invitae Variant Classification Sherloc (09022015). Collection method: clinical testing. Allele origin: germline.
Comment: This sequence change replaces glutamic acid, which is acidic and polar, with valine, which is neutral and non-polar, at codon 1319 of the SAMD9L protein (p.Glu1319Val). This variant is present in population databases (no rsID available, gnomAD 0.02%). This variant has not been reported in the literature in individuals affected with SAMD9L-related conditions. ClinVar contains an entry for this variant (Variation ID: 1442256). Invitae Evidence Modeling of protein sequence and biophysical properties (such as structural, functional, and spatial information, amino acid conservation, physicochemical variation, residue mobility, and thermodynamic stability) indicates that this missense variant is not expected to disrupt SAMD9L protein function with a negative predictive value of 80%. In summary, the available evidence is currently insufficient to determine the role of this variant in disease. Therefore, it has been classified as a Variant of Uncertain Significance.

Ambry Genetics
Classification: Uncertain significance for Inborn genetic diseases. Last evaluated: 2024-11-21. Review status: criteria provided, single submitter. Criteria: Ambry Variant Classification Scheme 2023. Collection method: clinical testing. Allele origin: germline.
Comment: The p.E1319V variant (also known as c.3956A>T), located in coding exon 1 of the SAMD9L gene, results from an A to T substitution at nucleotide position 3956. The glutamic acid at codon 1319 is replaced by valine, an amino acid with dissimilar properties. This amino acid position is conserved. In addition, this alteration is predicted to be tolerated by in silico analysis. Based on the available evidence, the clinical significance of this variant remains unclear.